The following is an entry in ClinVar:

NM_001256789.3(CACNA1F):c.1407_1408del (p.Glu469fs)

Gene: CACNA1F (calcium voltage-gated channel subunit alpha1 F; minus strand). Cytogenetic location: Xp11.23.
Variant type: Microsatellite.
Coding change: c.1407_1408del on transcript NM_001256789.3 (MANE Select); coding-DNA positions 1407 to 1408, 2 bases deleted (GA; older notation c.1407_1408delGA).
Protein change: p.Glu469fs; shifts the reading frame from glutamic acid 469.
Molecular consequence: frameshift variant.
Genome position (GRCh38, 1-based): chrX:49,226,464-49,226,465, TC deleted on the plus strand (GA on the coding strand, the reverse complement: CACNA1F is on the minus strand); deleting any 2 consecutive bases within chrX:49,226,464-49,226,468 gives the same sequence; the c. name uses the placement nearest the transcript's 3' end. VCF-style (leftmost placement, unchanged base first): chrX-49226463-GTC-G. GRCh37 (hg19) VCF-style: chrX-49082925-GTC-G.
Other names: c.1245_1246del, p.Glu415fs (NM_001256790.3); c.1440_1441del, p.Glu480fs (NM_005183.4); short protein forms E469fs, E480fs, E415fs.
Identifiers: ClinVar variation 1394042 (VCV001394042.6), dbSNP rs2147919032, ClinGen allele CA2580617048.

ClinVar aggregate classification (germline): Pathogenic (1 of 4 stars; one submission).

Submission:

Labcorp Genetics (formerly Invitae), Labcorp
Classification: Pathogenic. Last evaluated: 2025-04-28. Review status: criteria provided, single submitter. Criteria: Invitae Variant Classification Sherloc (09022015). Collection method: clinical testing. Allele origin: germline.
Comment: This sequence change creates a premature translational stop signal (p.Glu480Aspfs*5) in the CACNA1F gene. It is expected to result in an absent or disrupted protein product. Loss-of-function variants in CACNA1F are known to be pathogenic (PMID: 9662399, 11281458, 17525176, 22194652, 24124559, 26992781). This variant is not present in population databases (gnomAD no frequency). This variant has not been reported in the literature in individuals affected with CACNA1F-related conditions. Algorithms developed to predict the effect of sequence changes on RNA splicing suggest that this variant may disrupt the consensus splice site. For these reasons, this variant has been classified as Pathogenic.

Literature cited by the submitters: PubMed 9662399; PubMed 11281458; PubMed 17525176; PubMed 22194652; PubMed 24124559; PubMed 26992781.